The following is an entry in ClinVar:

ClinVar aggregate classification (germline): Uncertain significance (1 of 4 stars; one submission).

Submission:

Ambry Genetics
Classification: Uncertain significance. Last evaluated: 2025-12-15. Review status: criteria provided, single submitter. Criteria: Ambry Variant Classification Scheme 2023. Collection method: clinical testing. Allele origin: germline.
Comment: The c.481A>G (p.T161A) alteration is located in exon 2 (coding exon 1) of the SERPINA7 gene. This alteration results from a A to G substitution at nucleotide position 481, causing the threonine (T) at amino acid position 161 to be replaced by an alanine (A). Based on data from gnomAD, the G allele has an overall frequency of 0.002% (3/182807) total alleles studied. The highest observed frequency was 0.011% (3/27388) of Latino alleles. Based on insufficient or conflicting evidence, the clinical significance of this alteration remains unclear.

NM_000354.6(SERPINA7):c.481A>G (p.Thr161Ala)

Gene: SERPINA7 (serpin family A member 7; minus strand). Cytogenetic location: Xq22.3.
Variant type: single nucleotide variant.
Coding change: c.481A>G on transcript NM_000354.6 (MANE Select); coding-DNA position 481, A replaced by G.
Protein change: p.Thr161Ala; replaces threonine 161 with alanine.
Molecular consequence: missense variant.
Genome position (GRCh38, 1-based): chrX:106,036,578, T>C on the plus strand (A>G on the coding strand, the complement: SERPINA7 is on the minus strand). VCF-style: chrX-106036578-T-C. GRCh37 (hg19) VCF-style: chrX-105280569-T-C.
Other names: short protein forms T161A.
Identifiers: ClinVar variation 4835847 (VCV004835847.1).